The following is an entry in ClinVar:

NM_006494.4(ERF):c.1306_1309dup (p.Glu437fs)

Gene: ERF (ETS2 repressor factor; minus strand). Cytogenetic location: 19q13.2.
Variant type: Duplication.
Coding change: c.1306_1309dup on transcript NM_006494.4 (MANE Select); coding-DNA positions 1306 to 1309, 4 bases duplicated (GAGG; older notation c.1306_1309dupGAGG).
Protein change: p.Glu437fs; shifts the reading frame from glutamic acid 437.
Molecular consequence: frameshift variant.
Genome position (GRCh38, 1-based): chr19:42,248,803-42,248,806, CCTC duplicated on the plus strand (GAGG on the coding strand, the reverse complement: ERF is on the minus strand); duplicating any 4 consecutive bases within chr19:42,248,803-42,248,807 gives the same sequence; the c. name uses the placement nearest the transcript's 3' end. VCF-style (leftmost placement, unchanged base first): chr19-42248802-T-TCCTC. GRCh37 (hg19) VCF-style: chr19-42752954-T-TCCTC.
Other names: c.1081_1084dup, p.Glu362fs (NM_001301035.2, NM_001308402.2, NM_001312656.2); short protein forms E362fs, E437fs.
Identifiers: ClinVar variation 1519627 (VCV001519627.6), dbSNP rs2146948133, ClinGen allele CA2573156421.

ClinVar aggregate classification (germline): Likely pathogenic (1 of 4 stars; one submission).

Conditions:
TWIST1-related craniosynostosis (CRS1). Also called: CRANIOSYNOSTOSIS 1. Identifiers: Orphanet 63440, MedGen C4551902, MONDO:0007399, OMIM 123100. Inheritance: Heterogenous inheritance pattern.

Submission:

Labcorp Genetics (formerly Invitae), Labcorp
Classification: Likely pathogenic for TWIST1-related craniosynostosis. Last evaluated: 2023-02-18. Review status: criteria provided, single submitter. Criteria: Invitae Variant Classification Sherloc (09022015). Collection method: clinical testing. Allele origin: germline.
Comment: In summary, the currently available evidence indicates that the variant is pathogenic, but additional data are needed to prove that conclusively. Therefore, this variant has been classified as Likely Pathogenic. This variant disrupts the C-terminus of the ERF protein. Other variant(s) that disrupt this region (p.Lys465Leufs*67, p.Phe504Leufs*27, p.Ser532Glnfs*3) have been observed in individuals with ERF-related conditions (PMID: 23354439, 28808027, 30758909). This suggests that this may be a clinically significant region of the protein. ClinVar contains an entry for this variant (Variation ID: 1519627). This variant has not been reported in the literature in individuals affected with ERF-related conditions. This variant is not present in population databases (gnomAD no frequency). This sequence change creates a premature translational stop signal (p.Glu437Glyfs*7) in the ERF gene. While this is not anticipated to result in nonsense mediated decay, it is expected to disrupt the last 112 amino acid(s) of the ERF protein.

Literature cited by the submitters: PubMed 23354439; PubMed 28808027; PubMed 30758909.